The following is an entry in ClinVar:

ClinVar aggregate classification (germline): Uncertain significance (1 of 4 stars; one submission).

Conditions:
Malignant hyperthermia, susceptibility to, 1 (MHS1). Also called: Anesthesia related hyperthermia; Malignant hyperpyrexia; Fulminating hyperpyrexia; Pharmacogenic myopathy; Malignant hyperthermia suceptibility 1; RYR1-Related Malignant Hyperthermia Susceptibility. Identifiers: Orphanet 423, MedGen C2930980, MONDO:0007783, OMIM 145600.

Submission:

All of Us Research Program, National Institutes of Health
Classification: Uncertain significance for Malignant hyperthermia, susceptibility to, 1. Last evaluated: 2024-03-05. Review status: criteria provided, single submitter. Criteria: ACMG Guidelines, 2015. Collection method: clinical testing. Allele origin: germline. Inheritance: Autosomal dominant inheritance. Observed: 1 variant allele, 1 heterozygote.
Comment: This study involves interpretation of variants in research participants for the purpose of population health screening. Participant phenotype was not available at the time of variant classification. Additional details can be found in publication PMID: 35346344, PMCID: PMC8962531

NM_000540.3(RYR1):c.11025T>A (p.Asp3675Glu)

Gene: RYR1 (ryanodine receptor 1; plus strand). Cytogenetic location: 19q13.2.
Variant type: single nucleotide variant.
Coding change: c.11025T>A on transcript NM_000540.3 (MANE Select); coding-DNA position 11025, T replaced by A.
Protein change: p.Asp3675Glu; replaces aspartic acid 3675 with glutamic acid.
Molecular consequence: missense variant.
Genome position (GRCh38, 1-based): chr19:38,528,686, T>A. VCF-style: chr19-38528686-T-A. GRCh37 (hg19) VCF-style: chr19-39019326-T-A.
Other names: c.11010T>A, p.Asp3670Glu (NM_001042723.2); short protein forms D3670E, D3675E.
Identifiers: ClinVar variation 3385547 (VCV003385547.1).